The following is an entry in ClinVar:

NM_001365276.2(TNXB):c.2432_2445del (p.Ala811fs)

Gene: TNXB (tenascin XB; minus strand). Cytogenetic location: 6p21.33.
Variant type: Deletion.
Coding change: c.2432_2445del on transcript NM_001365276.2 (MANE Select); coding-DNA positions 2432 to 2445, 14 bases deleted (CCCCTGGACAGGAG).
Protein change: p.Ala811fs; shifts the reading frame from alanine 811.
Molecular consequence: frameshift variant.
Genome position (GRCh38, 1-based): chr6:32,089,293-32,089,306, CTCCTGTCCAGGGG deleted on the plus strand (CCCCTGGACAGGAG on the coding strand, the reverse complement: TNXB is on the minus strand); deleting any 14 consecutive bases within chr6:32,089,293-32,089,307 gives the same sequence; the c. name uses the placement nearest the transcript's 3' end. VCF-style (leftmost placement, unchanged base first): chr6-32089292-ACTCCTGTCCAGGGG-A. GRCh37 (hg19) VCF-style: chr6-32057069-ACTCCTGTCCAGGGG-A.
Other names: c.2432_2445del, p.Ala811fs (NM_001428335.1, NM_019105.8); short protein forms A811fs.
Identifiers: ClinVar variation 5015002 (VCV005015002.1).

ClinVar aggregate classification (germline): Pathogenic (1 of 4 stars; one submission).

Conditions:
Ehlers-Danlos syndrome due to tenascin-X deficiency (EDSCLL1). Also called: EDS DUE TO TNX DEFICIENCY; TNX DEFICIENCY; Ehlers-Danlos syndrome, classic-like, 1; EHLERS-DANLOS SYNDROME, CLASSIC-LIKE; TNXB-Related Classical-Like Ehlers-Danlos Syndrome. Identifiers: Orphanet 230839, MedGen C1848029, MONDO:0011670, OMIM 606408.

Submission:

Myriad Genetics, Inc.
Classification: Pathogenic for Ehlers-Danlos syndrome due to tenascin-X deficiency. Last evaluated: 2025-09-21. Review status: criteria provided, single submitter. Criteria: Myriad Autosomal Dominant, Autosomal Recessive and X-Linked Classification Criteria (2023). Collection method: clinical testing. Allele origin: unknown.
Comment: NM_019105.6(TNXB):c.2432_2445del14(A811Vfs*51) is expected to be pathogenic in the context of classical-like Ehlers-Danlos syndrome, TNXB-related. This variant is predicted to lead to an abnormal or absent protein product due to the creation of a premature termination codon in TNXB, a gene where loss-of-function variants are known to be pathogenic. Please note: this variant was assessed in the context of healthy population screening.